The following is an entry in ClinVar:

ClinVar aggregate classification (germline): Uncertain significance (1 of 4 stars; one submission).

Allele frequency attached by ClinVar (database versions not stated): gnomAD exomes 0.00001; gnomAD 0.00001; ExAC 0.00002.

Submission:

Labcorp Genetics (formerly Invitae), Labcorp
Classification: Uncertain significance. Last evaluated: 2025-07-23. Review status: criteria provided, single submitter. Criteria: Invitae Variant Classification Sherloc (09022015). Collection method: clinical testing. Allele origin: germline.
Comment: This sequence change replaces aspartic acid, which is acidic and polar, with asparagine, which is neutral and polar, at codon 32 of the TFRC protein (p.Asp32Asn). This variant is present in population databases (rs772905975, gnomAD 0.006%). This variant has not been reported in the literature in individuals affected with TFRC-related conditions. ClinVar contains an entry for this variant (Variation ID: 2968853). An algorithm developed to predict the effect of missense changes on protein structure and function (PolyPhen-2) suggests that this variant is likely to be disruptive. In summary, the available evidence is currently insufficient to determine the role of this variant in disease. Therefore, it has been classified as a Variant of Uncertain Significance.

NM_001128148.3(TFRC):c.94G>A (p.Asp32Asn)

Gene: TFRC (transferrin receptor; minus strand). Cytogenetic location: 3q29.
Variant type: single nucleotide variant.
Coding change: c.94G>A on transcript NM_001128148.3 (MANE Select); coding-DNA position 94, G replaced by A.
Protein change: p.Asp32Asn; replaces aspartic acid 32 with asparagine.
Molecular consequence: missense variant. On other transcripts: intron variant (2).
Genome position (GRCh38, 1-based): chr3:196,075,303, C>T on the plus strand (G>A on the coding strand, the complement: TFRC is on the minus strand). VCF-style: chr3-196075303-C-T. GRCh37 (hg19) VCF-style: chr3-195802174-C-T.
Other names: c.94G>A, p.Asp32Asn (NM_003234.4); c.-413+1761G>A (NM_001313966.2); c.-5-1178G>A (NM_001313965.2); short protein forms D32N.
Identifiers: ClinVar variation 2968853 (VCV002968853.3), dbSNP rs772905975, ClinGen allele CA2778398.